The following is an entry in ClinVar:

NM_015656.2(KIF26A):c.5282G>A (p.Arg1761Gln)

Gene: KIF26A (kinesin family member 26A; plus strand). Cytogenetic location: 14q32.33.
Variant type: single nucleotide variant.
Coding change: c.5282G>A on transcript NM_015656.2 (MANE Select); coding-DNA position 5282, G replaced by A.
Protein change: p.Arg1761Gln; replaces arginine 1761 with glutamine.
Molecular consequence: missense variant.
Genome position (GRCh38, 1-based): chr14:104,178,721, G>A. VCF-style: chr14-104178721-G-A. GRCh37 (hg19) VCF-style: chr14-104645058-G-A.
Other names: short protein forms R1761Q.
Identifiers: ClinVar variation 3360432 (VCV003360432.2).

ClinVar aggregate classification (germline): Uncertain significance. Review status: criteria provided, multiple submitters, no conflicts (2 of 4 stars). 2 submissions from 2 submitters: Uncertain significance (2). Last evaluated 2024-08-10.

gnomAD v4.1: 55 of 1,554,748 alleles (0.0035%); highest among the groups gnomAD compares: Middle Eastern, 0.018%; no homozygotes.

Submissions (2):

Ambry Genetics
Classification: Uncertain significance. Last evaluated: 2024-08-10. Review status: criteria provided, single submitter. Criteria: Ambry Variant Classification Scheme 2023. Collection method: clinical testing. Allele origin: germline.

GeneDx
Classification: Uncertain significance. Last evaluated: 2023-07-01. Review status: criteria provided, single submitter. Criteria: GeneDx Variant Classification Process June 2021. Collection method: clinical testing. Allele origin: germline. Affected: yes.
Comment: In silico analysis supports that this missense variant has a deleterious effect on protein structure/function; Has not been previously published as pathogenic or benign to our knowledge